The following is an entry in ClinVar:

ClinVar aggregate classification (germline): Uncertain significance (1 of 4 stars; one submission).

Submission:

Labcorp Genetics (formerly Invitae), Labcorp
Classification: Uncertain significance. Last evaluated: 2023-12-12. Review status: criteria provided, single submitter. Criteria: Invitae Variant Classification Sherloc (09022015). Collection method: clinical testing. Allele origin: germline.
Comment: This sequence change replaces lysine, which is basic and polar, with arginine, which is basic and polar, at codon 1556 of the CACNA1F protein (p.Lys1556Arg). This variant is not present in population databases (gnomAD no frequency). This variant has not been reported in the literature in individuals affected with CACNA1F-related conditions. Advanced modeling of protein sequence and biophysical properties (such as structural, functional, and spatial information, amino acid conservation, physicochemical variation, residue mobility, and thermodynamic stability) performed at Invitae indicates that this missense variant is not expected to disrupt CACNA1F protein function with a negative predictive value of 80%. In summary, the available evidence is currently insufficient to determine the role of this variant in disease. Therefore, it has been classified as a Variant of Uncertain Significance.

NM_001256789.3(CACNA1F):c.4634A>G (p.Lys1545Arg)

Genes: CACNA1F (calcium voltage-gated channel subunit alpha1 F; minus strand), LOC126863257 (BRD4-independent group 4 enhancer GRCh37_chrX:49065732-49066931; plus strand). Cytogenetic location: Xp11.23.
Variant type: single nucleotide variant.
Coding change: c.4634A>G on transcript NM_001256789.3 (MANE Select); coding-DNA position 4634, A replaced by G.
Protein change: p.Lys1545Arg; replaces lysine 1545 with arginine.
Molecular consequence: missense variant.
Genome position (GRCh38, 1-based): chrX:49,209,997, T>C on the plus strand (A>G on the coding strand, the complement: CACNA1F is on the minus strand). VCF-style: chrX-49209997-T-C. GRCh37 (hg19) VCF-style: chrX-49066457-T-C.
Other names: c.4472A>G, p.Lys1491Arg (NM_001256790.3); c.4667A>G, p.Lys1556Arg (NM_005183.4); short protein forms K1545R, K1491R, K1556R.
Identifiers: ClinVar variation 2693210 (VCV002693210.3), dbSNP rs2520758392, ClinGen allele CA412960568.